The following is an entry in ClinVar:

NM_001211.6(BUB1B):c.518C>T (p.Ala173Val)

Gene: BUB1B (BUB1 mitotic checkpoint serine/threonine kinase B; plus strand). Cytogenetic location: 15q15.1.
Variant type: single nucleotide variant.
Coding change: c.518C>T on transcript NM_001211.6 (MANE Select); coding-DNA position 518, C replaced by T.
Protein change: p.Ala173Val; replaces alanine 173 with valine.
Molecular consequence: missense variant.
Genome position (GRCh38, 1-based): chr15:40,176,610, C>T. VCF-style: chr15-40176610-C-T. GRCh37 (hg19) VCF-style: chr15-40468811-C-T.
Other names: short protein forms A173V.
Identifiers: ClinVar variation 855284 (VCV000855284.10), dbSNP rs552380700, ClinGen allele CA268774026.

ClinVar aggregate classification (germline): Uncertain significance (1 of 4 stars; one submission).

Conditions:
Mosaic variegated aneuploidy syndrome 1 (MVA1). Also called: Warburton-Anyane-Yeboa syndrome. Identifiers: Orphanet 1052, MedGen C1850343, MONDO:0009759, OMIM 257300.

Allele frequency attached by ClinVar (database versions not stated): gnomAD exomes below 0.00001; TOPMed below 0.00001; gnomAD 0.00001; 1000 Genomes Project 30x 0.00016; 1000 Genomes Project 0.00020.
gnomAD v4.1: 10 of 1,613,986 alleles (0.00062%); highest among the groups gnomAD compares: East Asian, 0.0022%; 1 homozygote.

Submission:

Labcorp Genetics (formerly Invitae), Labcorp
Classification: Uncertain significance for Mosaic variegated aneuploidy syndrome 1. Last evaluated: 2019-03-06. Review status: criteria provided, single submitter. Criteria: Invitae Variant Classification Sherloc (09022015). Collection method: clinical testing. Allele origin: germline.
Comment: In summary, the available evidence is currently insufficient to determine the role of this variant in disease. Therefore, it has been classified as a Variant of Uncertain Significance. Algorithms developed to predict the effect of missense changes on protein structure and function output the following: SIFT: "Tolerated"; PolyPhen-2: "Benign"; Align-GVGD: "Class C0". The valine amino acid residue is found in multiple mammalian species, suggesting that this missense change does not adversely affect protein function. These predictions have not been confirmed by published functional studies and their clinical significance is uncertain. This variant has not been reported in the literature in individuals with BUB1B-related conditions. This variant is not present in population databases (ExAC no frequency). This sequence change replaces alanine with valine at codon 173 of the BUB1B protein (p.Ala173Val). The alanine residue is weakly conserved and there is a small physicochemical difference between alanine and valine.